The following is an entry in ClinVar:

NM_004859.4(CLTC):c.3370G>T (p.Ala1124Ser)

Gene: CLTC (clathrin heavy chain; plus strand). Cytogenetic location: 17q23.1.
Variant type: single nucleotide variant.
Coding change: c.3370G>T on transcript NM_004859.4 (MANE Select); coding-DNA position 3370, G replaced by T.
Protein change: p.Ala1124Ser; replaces alanine 1124 with serine.
Molecular consequence: missense variant.
Genome position (GRCh38, 1-based): chr17:59,681,767, G>T. VCF-style: chr17-59681767-G-T. GRCh37 (hg19) VCF-style: chr17-57759128-G-T.
Other names: c.3382G>T, p.Ala1128Ser (NM_001288653.2); short protein forms A1124S, A1128S.
Identifiers: ClinVar variation 3901905 (VCV003901905.1).

ClinVar aggregate classification (germline): Uncertain significance (1 of 4 stars; one submission).

Conditions:
Intellectual developmental disorder, autosomal dominant 56. Also called: MENTAL RETARDATION, AUTOSOMAL DOMINANT 56; Intellectual disability, autosomal dominant 56. Identifiers: MedGen C4693389, MONDO:0030922, OMIM 617854.

Submission:

Laboratorio de Genetica e Diagnostico Molecular, Hospital Israelita Albert Einstein
Classification: Uncertain significance for Intellectual developmental disorder, autosomal dominant 56. Last evaluated: 2024-08-17. Review status: criteria provided, single submitter. Criteria: ACMG Guidelines, 2015. Collection method: clinical testing. Allele origin: germline. Affected: yes.
Comment: ACMG classification criteria: PM2 supporting, PP2 supporting, BP4 supporting